The following is an entry in ClinVar:

NM_001034852.3(SMOC1):c.1062C>T (p.Asp354=)

Gene: SMOC1 (SPARC related modular calcium binding 1; plus strand). Cytogenetic location: 14q24.2.
Variant type: single nucleotide variant.
Coding change: c.1062C>T on transcript NM_001034852.3 (MANE Select); coding-DNA position 1062, C replaced by T.
Protein change: p.Asp354=; no amino-acid change (aspartic acid 354 retained).
Molecular consequence: synonymous variant.
Genome position (GRCh38, 1-based): chr14:70,023,218, C>T. VCF-style: chr14-70023218-C-T. GRCh37 (hg19) VCF-style: chr14-70489935-C-T.
Other names: c.1062C>T, p.Asp354= (NM_022137.6).
Identifiers: ClinVar variation 774910 (VCV000774910.34), dbSNP rs144398452, ClinGen allele CA7246719.
Genomic context (GRCh38, chr14:70,023,218, plus strand): 5'-CCTGATTGGTGTTCTCTGCGGTGGGGGTGTTTGTCCATGGCCCAGGTTCTCAGAGCCAGA[C>T]CCCAGCCACACCCTGGAGGAGCGGGTAGTGCACTGGTATTTCAGCCAGCTGGACAGCAAT-3'
Protein context (NP_001030024.1, residues 344-364): PTGGGRFSEP[Asp354=]PSHTLEERVV

ClinVar aggregate classification (germline): Benign/Likely benign. Review status: criteria provided, multiple submitters, no conflicts (2 of 4 stars). 3 submissions from 3 submitters: Benign (2); Likely benign (1). Last evaluated 2026-02-02.

Allele frequency attached by ClinVar (database versions not stated): 1000 Genomes Project 30x 0.00109; 1000 Genomes Project 0.00120; TOPMed 0.00207; ESP Exome Variant Server 0.00215; gnomAD 0.00232 and 0.00237; gnomAD exomes 0.00254; ExAC 0.00259.
gnomAD v4.1: 4,145 of 1,614,100 alleles (0.26%); highest among the groups gnomAD compares: Middle Eastern, 1.3%; 11 homozygotes.

Submissions (3):

Labcorp Genetics (formerly Invitae), Labcorp
Classification: Benign. Last evaluated: 2026-02-02. Review status: criteria provided, single submitter. Criteria: Invitae Variant Classification Sherloc (09022015). Collection method: clinical testing. Allele origin: germline.

CeGaT Center for Human Genetics Tuebingen
Classification: Likely benign. Last evaluated: 2026-02-01. Review status: criteria provided, single submitter. Criteria: CeGaT Center For Human Genetics Tuebingen Variant Classification Criteria Version 2. Collection method: clinical testing. Allele origin: germline. Affected: yes. Observed: 6 variant alleles.
Comment: SMOC1: BP4, BP7

Breakthrough Genomics
Classification: Benign. Review status: criteria provided, single submitter. Criteria: ACMG Guidelines, 2015. Collection method: not provided. Allele origin: germline. Inheritance: Autosomal recessive inheritance. Affected: yes.